The following is an entry in ClinVar:

NM_007294.4(BRCA1):c.5468-64_5480dup

Gene: BRCA1 (BRCA1 DNA repair associated; minus strand). Cytogenetic location: 17q21.31.
Variant type: Duplication.
Coding change: c.5468-64_5480dup on transcript NM_007294.4 (MANE Select); 64 bases into the intron before coding-DNA position 5468 through coding-DNA position 5480, 77 bases duplicated.
Molecular consequence: splice acceptor variant.
Genome position (GRCh38, 1-based): chr17:43,045,790-43,045,866, 77 bases duplicated. GRCh37 (hg19): chr17:41,197,810-41,197,886.
Other names: c.5462-64_5474dup (NM_001407640.1, NM_001407641.1, NM_001407629.1 and 13 more transcripts); c.5465-64_5477dup (NM_001407626.1, NM_001407617.1, NM_001407624.1 and 14 more transcripts); c.5390-64_5402dup (NM_001407652.1, NM_001407655.1, NM_001407654.1 and 1 more transcripts); c.5394-64_5406dup (NM_001407854.1); c.5468-64_5480dup (NM_001407598.1, NM_001407597.1, NM_001407605.1 and 5 more transcripts); c.1943-64_1955dup (NM_001408492.1, NM_001408493.1); c.2012-64_2024dup (NM_001408468.1, NM_001408470.1, NM_001408469.1); c.2156-64_2168dup (NM_001407990.1, NM_001407983.1, NM_001407992.1 and 10 more transcripts); and 84 more.
Identifiers: ClinVar variation 4853057 (VCV004853057.1).

ClinVar aggregate classification (germline): Uncertain significance (1 of 4 stars; one submission).

Submission:

Women's Health and Genetics/Laboratory Corporation of America, LabCorp
Classification: Uncertain significance. Last evaluated: 2026-05-15. Review status: criteria provided, single submitter. Criteria: LabCorp Variant Classification Summary - May 2015. Collection method: clinical testing. Allele origin: germline.
Comment: Variant summary: BRCA1 c.5468-64_5480dup77 results in a large duplication overlapping a canonical splice site. Several computational tools predict a significant impact on normal splicing: Four predict the variant creates a new 3' acceptor site. One predicts the variant weakens the canonical 3' acceptor site and four predict the variant has no significant impact on splicing at the canonical splice site. However, these predictions have yet to be confirmed by functional studies. The variant was absent in 250954 control chromosomes. The available data on variant occurrences in the general population are insufficient to allow any conclusion about variant significance. To our knowledge, no occurrence of c.5468-64_5480dup77 in individuals affected with BRCA1-related conditions and no experimental evidence demonstrating its impact on protein function have been reported. No submitters have cited clinical-significance assessments for this variant to ClinVar. Based on the evidence outlined above, the variant was classified as uncertain significance.